The following is an entry in ClinVar:

ClinVar aggregate classification (germline): Likely pathogenic (1 of 4 stars; one submission).

Conditions:
Developmental and epileptic encephalopathy 94 (DEE94). Also called: CHD2-Related Neurodevelopmental Disorders; Epileptic encephalopathy, childhood-onset. Identifiers: Orphanet 1942, Orphanet 2382, MedGen C3809278, MONDO:0014150, OMIM 615369.

Submission:

Labcorp Genetics (formerly Invitae), Labcorp
Classification: Likely pathogenic for Developmental and epileptic encephalopathy 94. Last evaluated: 2022-03-29. Review status: criteria provided, single submitter. Criteria: Invitae Variant Classification Sherloc (09022015). Collection method: clinical testing. Allele origin: germline.
Comment: Algorithms developed to predict the effect of sequence changes on RNA splicing suggest that this variant may disrupt the consensus splice site. In summary, the currently available evidence indicates that the variant is pathogenic, but additional data are needed to prove that conclusively. Therefore, this variant has been classified as Likely Pathogenic. This variant has not been reported in the literature in individuals affected with CHD2-related conditions. This sequence change affects an acceptor splice site in intron 30 of the CHD2 gene. It is expected to disrupt RNA splicing. Variants that disrupt the donor or acceptor splice site typically lead to a loss of protein function (PMID: 16199547), and loss-of-function variants in CHD2 are known to be pathogenic (PMID: 23708187, 24207121). This variant is not present in population databases (gnomAD no frequency).

Literature cited by the submitters: PubMed 16199547; PubMed 23708187; PubMed 24207121.

NM_001271.4(CHD2):c.3886-1G>C

Gene: CHD2 (chromodomain helicase DNA binding protein 2; plus strand). Cytogenetic location: 15q26.1.
Variant type: single nucleotide variant.
Coding change: c.3886-1G>C on transcript NM_001271.4 (MANE Select); the canonical splice acceptor site of the intron before coding-DNA position 3886, G replaced by C.
Molecular consequence: splice acceptor variant.
Genome position (GRCh38, 1-based): chr15:92,998,498, G>C. VCF-style: chr15-92998498-G-C. GRCh37 (hg19) VCF-style: chr15-93541728-G-C.
Identifiers: ClinVar variation 2119250 (VCV002119250.4), dbSNP rs2505593774, ClinGen allele CA393899152.